The following is an entry in ClinVar:

ClinVar aggregate classification (germline): Uncertain significance (1 of 4 stars; one submission).

Conditions:
Inborn genetic diseases. Identifiers: MedGen C0950123, MeSH D030342.

Allele frequency attached by ClinVar (database versions not stated): gnomAD exomes below 0.00001; TOPMed below 0.00001; ExAC 0.00001.

Submission:

Ambry Genetics
Classification: Uncertain significance for Inborn genetic diseases. Last evaluated: 2020-01-28. Review status: criteria provided, single submitter. Criteria: Ambry Variant Classification Scheme 2023. Collection method: clinical testing. Allele origin: germline.
Comment: The p.R371H variant (also known as c.1112G>A), located in coding exon 10 of the YARS gene, results from a G to A substitution at nucleotide position 1112. The arginine at codon 371 is replaced by histidine, an amino acid with highly similar properties. This amino acid position is highly conserved in available vertebrate species. In addition, this alteration is predicted to be deleterious by in silico analysis. Since supporting evidence is limited at this time, the clinical significance of this alteration remains unclear.

NM_003680.4(YARS1):c.1112G>A (p.Arg371His)

Gene: YARS1 (tyrosyl-tRNA synthetase 1; minus strand). Cytogenetic location: 1p35.1.
Variant type: single nucleotide variant.
Coding change: c.1112G>A on transcript NM_003680.4 (MANE Select); coding-DNA position 1112, G replaced by A.
Protein change: p.Arg371His; replaces arginine 371 with histidine.
Molecular consequence: missense variant.
Genome position (GRCh38, 1-based): chr1:32,781,076, C>T on the plus strand (G>A on the coding strand, the complement: YARS1 is on the minus strand). VCF-style: chr1-32781076-C-T. GRCh37 (hg19) VCF-style: chr1-33246677-C-T.
Other names: short protein forms R371H.
Identifiers: ClinVar variation 1800158 (VCV001800158.2), dbSNP rs749972616, ClinGen allele CA744987.